The following is an entry in ClinVar:

NM_000065.5(C6):c.87G>A (p.Trp29Ter)

Gene: C6 (complement C6; minus strand). Cytogenetic location: 5p13.1.
Variant type: single nucleotide variant.
Coding change: c.87G>A on transcript NM_000065.5 (MANE Select); coding-DNA position 87, G replaced by A.
Protein change: p.Trp29Ter; replaces tryptophan 29 with a stop codon.
Molecular consequence: nonsense.
Genome position (GRCh38, 1-based): chr5:41,203,144, C>T on the plus strand (G>A on the coding strand, the complement: C6 is on the minus strand). VCF-style: chr5-41203144-C-T. GRCh37 (hg19) VCF-style: chr5-41203246-C-T.
Other names: c.87G>A, p.Trp29Ter (NM_001115131.4); short protein forms W29*.
Identifiers: ClinVar variation 1923849 (VCV001923849.5), dbSNP rs2479157275, ClinGen allele CA359605590.
Genomic context (GRCh38, chr5:41,203,144, plus strand): 5'-CCACCTGTGTCTGCTCTGGGTTCCAGAATTGCAAGTTTTTGAGCAGCTGGTCCACTGAGT[C>T]CATGCATAGTGATCACAGAAGCAGGCTTGGCCCTTGTTGATCAGAGCATTCAGCAGGATG-3'

ClinVar aggregate classification (germline): Pathogenic (1 of 4 stars; one submission).

Submission:

Labcorp Genetics (formerly Invitae), Labcorp
Classification: Pathogenic. Last evaluated: 2023-01-10. Review status: criteria provided, single submitter. Criteria: Invitae Variant Classification Sherloc (09022015). Collection method: clinical testing. Allele origin: germline.
Comment: This sequence change creates a premature translational stop signal (p.Trp29*) in the C6 gene. It is expected to result in an absent or disrupted protein product. Loss-of-function variants in C6 are known to be pathogenic (PMID: 17257682). This variant is not present in population databases (gnomAD no frequency). This variant has not been reported in the literature in individuals affected with C6-related conditions. For these reasons, this variant has been classified as Pathogenic.

Literature cited by the submitters: PubMed 17257682.